The following is an entry in ClinVar:

NM_020297.4(ABCC9):c.819A>G (p.Lys273=)

Gene: ABCC9 (ATP binding cassette subfamily C member 9; minus strand). Cytogenetic location: 12p12.1.
Variant type: single nucleotide variant.
Coding change: c.819A>G on transcript NM_020297.4 (MANE Select); coding-DNA position 819, A replaced by G.
Protein change: p.Lys273=; no amino-acid change (lysine 273 retained).
Molecular consequence: synonymous variant. On other transcripts: 5 prime UTR variant (1).
Genome position (GRCh38, 1-based): chr12:21,913,064, T>C on the plus strand (A>G on the coding strand, the complement: ABCC9 is on the minus strand). VCF-style: chr12-21913064-T-C. GRCh37 (hg19) VCF-style: chr12-22065998-T-C.
Other names: c.819A>G, p.Lys273= (NM_001377273.1, NM_005691.4); c.-46A>G (NM_001377274.1).
Identifiers: ClinVar variation 2763122 (VCV002763122.4), dbSNP rs1190137729, ClinGen allele CA478871255.

ClinVar aggregate classification (germline): Uncertain significance. Review status: criteria provided, multiple submitters, no conflicts (2 of 4 stars). 2 submissions from 2 submitters: Uncertain significance (2). Last evaluated 2026-08-27.

Conditions:
Dilated cardiomyopathy 1O (CMD1O). Also called: CARDIOMYOPATHY, DILATED, WITH VENTRICULAR TACHYCARDIA. Identifiers: Orphanet 154, MedGen C1837839, MONDO:0012062, OMIM 608569.
Cardiovascular phenotype. Identifiers: MedGen CN230736.

Allele frequency attached by ClinVar (database versions not stated): gnomAD exomes below 0.00001.
gnomAD v4.1: 1 of 1,597,896 alleles (0.000063%); highest among the groups gnomAD compares: East Asian, 0.0022%; no homozygotes.

Submissions (2):

Ambry Genetics
Classification: Uncertain significance for Cardiovascular phenotype. Last evaluated: 2026-08-27. Review status: criteria provided, single submitter. Criteria: Ambry Variant Classification Scheme 2023. Collection method: clinical testing. Allele origin: germline.
Comment: The c.819A>G variant (also known as p.K273K), located in coding exon 6 of the ABCC9 gene, results from an A to G substitution at nucleotide position 819. This nucleotide substitution does not change the amino acid at codon 273. This nucleotide position is well conserved in available vertebrate species. In silico splice site analysis predicts that this alteration will result in the creation or strengthening of a novel splice acceptor site. Based on the available evidence, the clinical significance of this variant remains unclear.

Labcorp Genetics (formerly Invitae), Labcorp
Classification: Uncertain significance for Dilated cardiomyopathy 1O. Last evaluated: 2025-05-01. Review status: criteria provided, single submitter. Criteria: Invitae Variant Classification Sherloc (09022015). Collection method: clinical testing. Allele origin: germline.
Comment: This sequence change affects codon 273 of the ABCC9 mRNA. It is a 'silent' change, meaning that it does not change the encoded amino acid sequence of the ABCC9 protein. The frequency data for this variant in the population databases is considered unreliable, as metrics indicate poor data quality at this position in the gnomAD database. This variant has not been reported in the literature in individuals affected with ABCC9-related conditions. ClinVar contains an entry for this variant (Variation ID: 2763122). Algorithms developed to predict the effect of sequence changes on RNA splicing suggest that this variant may create or strengthen a splice site. In summary, the available evidence is currently insufficient to determine the role of this variant in disease. Therefore, it has been classified as a Variant of Uncertain Significance.